The following is an entry in ClinVar:

NM_001267550.2(TTN):c.58274C>A (p.Ala19425Asp)

Genes: TTN (titin; minus strand), TTN-AS1 (TTN antisense RNA 1; plus strand). Cytogenetic location: 2q31.2.
Variant type: single nucleotide variant.
Coding change: c.58274C>A on transcript NM_001267550.2 (MANE Select); coding-DNA position 58274, C replaced by A.
Protein change: p.Ala19425Asp; replaces alanine 19425 with aspartic acid.
Molecular consequence: missense variant.
Genome position (GRCh38, 1-based): chr2:178,594,119, G>T on the plus strand (C>A on the coding strand, the complement: TTN is on the minus strand). VCF-style: chr2-178594119-G-T. GRCh37 (hg19) VCF-style: chr2-179458846-G-T.
Other names: c.53351C>A, p.Ala17784Asp (NM_001256850.1); c.31079C>A, p.Ala10360Asp (NM_003319.4); c.50570C>A, p.Ala16857Asp (NM_133378.4); c.31454C>A, p.Ala10485Asp (NM_133432.3); c.31655C>A, p.Ala10552Asp (NM_133437.4); short protein forms A10360D, A10485D, A10552D, A16857D, A17784D, A19425D.
Identifiers: ClinVar variation 3901822 (VCV003901822.2).

ClinVar aggregate classification (germline): Uncertain significance. Review status: criteria provided, multiple submitters, no conflicts (2 of 4 stars). 2 submissions from 2 submitters: Uncertain significance (2). Last evaluated 2024-12-04.

gnomAD v4.1: 12 of 1,613,326 alleles (0.00074%); highest among the groups gnomAD compares: Middle Eastern, 0.016%; no homozygotes.

Submissions (2):

GeneDx
Classification: Uncertain significance. Last evaluated: 2024-12-04. Review status: criteria provided, single submitter. Criteria: GeneDx Variant Classification Process June 2021. Collection method: clinical testing. Allele origin: germline. Affected: yes.
Comment: Not observed at significant frequency in large population cohorts (gnomAD); Missense variant in a gene in which most reported pathogenic variants are truncating/loss of function; Has not been previously published as pathogenic or benign to our knowledge

Revvity Omics, Revvity
Classification: Uncertain significance. Last evaluated: 2024-11-04. Review status: criteria provided, single submitter. Criteria: ACMG Guidelines, 2015. Collection method: clinical testing. Allele origin: germline.